The following is an entry in ClinVar:

NM_001378454.1(ALMS1):c.11933C>A (p.Pro3978His)

Genes: ALMS1 (ALMS1 centrosome and basal body associated protein; plus strand), LOC126806252 (BRD4-independent group 4 enhancer GRCh37_chr2:73828496-73829695; plus strand). Cytogenetic location: 2p13.1.
Variant type: single nucleotide variant.
Coding change: c.11933C>A on transcript NM_001378454.1 (MANE Select); coding-DNA position 11933, C replaced by A.
Protein change: p.Pro3978His; replaces proline 3978 with histidine.
Molecular consequence: missense variant.
Genome position (GRCh38, 1-based): chr2:73,601,255, C>A. VCF-style: chr2-73601255-C-A. GRCh37 (hg19) VCF-style: chr2-73828382-C-A.
Other names: c.11936C>A, p.Pro3979His (NM_015120.4); short protein forms P3979H, P3978H.
Identifiers: ClinVar variation 1745385 (VCV001745385.2), dbSNP rs779063839, ClinGen allele CA1715385.

ClinVar aggregate classification (germline): Uncertain significance (1 of 4 stars; one submission).

Conditions:
Cardiovascular phenotype. Identifiers: MedGen CN230736.

Allele frequency attached by ClinVar (database versions not stated): ExAC 0.00001; gnomAD 0.00001; TOPMed 0.00001.
gnomAD v4.1: 1 of 1,614,096 alleles (0.000062%); highest among the groups gnomAD compares: African/African-American, 0.0013%; no homozygotes.

Submission:

Ambry Genetics
Classification: Uncertain significance for Cardiovascular phenotype. Last evaluated: 2023-12-06. Review status: criteria provided, single submitter. Criteria: Ambry Variant Classification Scheme 2023. Collection method: clinical testing. Allele origin: germline.
Comment: The p.P3979H variant (also known as c.11936C>A), located in coding exon 19 of the ALMS1 gene, results from a C to A substitution at nucleotide position 11936. The proline at codon 3979 is replaced by histidine, an amino acid with similar properties. This amino acid position is not well conserved in available vertebrate species. In addition, the in silico prediction for this alteration is inconclusive. Since supporting evidence is limited at this time, the clinical significance of this alteration remains unclear.